The following is an entry in ClinVar:

NM_183075.3(CYP2U1):c.1450G>A (p.Gly484Arg)

Gene: CYP2U1 (cytochrome P450 family 2 subfamily U member 1; plus strand). Cytogenetic location: 4q25.
Variant type: single nucleotide variant.
Coding change: c.1450G>A on transcript NM_183075.3 (MANE Select); coding-DNA position 1450, G replaced by A.
Protein change: p.Gly484Arg; replaces glycine 484 with arginine.
Molecular consequence: missense variant.
Genome position (GRCh38, 1-based): chr4:107,949,511, G>A. VCF-style: chr4-107949511-G-A. GRCh37 (hg19) VCF-style: chr4-108870667-G-A.
Other names: short protein forms G484R.
Identifiers: ClinVar variation 1980850 (VCV001980850.4), dbSNP rs778023609, ClinGen allele CA3037202.

ClinVar aggregate classification (germline): Uncertain significance (1 of 4 stars; one submission).

Conditions:
Spastic paraplegia. Identifiers: MedGen C0037772, HP:0001258.

Allele frequency attached by ClinVar (database versions not stated): gnomAD exomes below 0.00001; ExAC 0.00001; TOPMed 0.00001.
gnomAD v4.1: 2 of 1,555,400 alleles (0.00013%); highest among the groups gnomAD compares: African/African-American, 0.0028%; no homozygotes.

Submission:

Labcorp Genetics (formerly Invitae), Labcorp
Classification: Uncertain significance for Spastic paraplegia. Last evaluated: 2021-12-08. Review status: criteria provided, single submitter. Criteria: Invitae Variant Classification Sherloc (09022015). Collection method: clinical testing. Allele origin: germline.
Comment: This variant is present in population databases (rs778023609, gnomAD 0.007%). In summary, the available evidence is currently insufficient to determine the role of this variant in disease. Therefore, it has been classified as a Variant of Uncertain Significance. Algorithms developed to predict the effect of sequence changes on RNA splicing suggest that this variant may create or strengthen a splice site. Advanced modeling of protein sequence and biophysical properties (such as structural, functional, and spatial information, amino acid conservation, physicochemical variation, residue mobility, and thermodynamic stability) performed at Invitae indicates that this missense variant is expected to disrupt CYP2U1 protein function. This variant has not been reported in the literature in individuals affected with CYP2U1-related conditions. This sequence change replaces glycine, which is neutral and non-polar, with arginine, which is basic and polar, at codon 484 of the CYP2U1 protein (p.Gly484Arg).